The following is an entry in ClinVar:

ClinVar aggregate classification (germline): Likely pathogenic (1 of 4 stars; one submission).

Submission:

Labcorp Genetics (formerly Invitae), Labcorp
Classification: Likely pathogenic. Last evaluated: 2022-08-07. Review status: criteria provided, single submitter. Criteria: Invitae Variant Classification Sherloc (09022015). Collection method: clinical testing. Allele origin: germline.
Comment: Algorithms developed to predict the effect of sequence changes on RNA splicing suggest that this variant may disrupt the consensus splice site. This sequence change affects a donor splice site in intron 6 of the IMPG2 gene. It is expected to disrupt RNA splicing. Variants that disrupt the donor or acceptor splice site typically lead to a loss of protein function (PMID: 16199547), and loss-of-function variants in IMPG2 are known to be pathogenic (PMID: 20673862). This variant is not present in population databases (gnomAD no frequency). This variant has not been reported in the literature in individuals affected with IMPG2-related conditions. In summary, the currently available evidence indicates that the variant is pathogenic, but additional data are needed to prove that conclusively. Therefore, this variant has been classified as Likely Pathogenic.

Literature cited by the submitters: PubMed 16199547; PubMed 20673862.

NM_016247.4(IMPG2):c.666+2T>G

Gene: IMPG2 (interphotoreceptor matrix proteoglycan 2; minus strand). Cytogenetic location: 3q12.3.
Variant type: single nucleotide variant.
Coding change: c.666+2T>G on transcript NM_016247.4 (MANE Select); the canonical splice donor site of the intron after coding-DNA position 666, T replaced by G.
Molecular consequence: splice donor variant.
Genome position (GRCh38, 1-based): chr3:101,275,661, A>C on the plus strand (T>G on the coding strand, the complement: IMPG2 is on the minus strand). VCF-style: chr3-101275661-A-C. GRCh37 (hg19) VCF-style: chr3-100994505-A-C.
Identifiers: ClinVar variation 2020307 (VCV002020307.4), dbSNP rs1050618792, ClinGen allele CA79749496.